The following is an entry in ClinVar:

ClinVar aggregate classification (germline): Likely benign (0 of 4 stars; one submission).

Conditions:
PCSK1-related disorder. Also called: PCSK1-related condition.

gnomAD v4.1: 1 of 1,614,072 alleles (0.000062%); highest among the groups gnomAD compares: African/African-American, 0.0013%; no homozygotes.

Submission:

PreventionGenetics, part of Exact Sciences
Classification: Likely benign for PCSK1-related condition. Last evaluated: 2023-12-19. Review status: no assertion criteria provided. Collection method: clinical testing. Allele origin: germline.
Comment: This variant is classified as likely benign based on ACMG/AMP sequence variant interpretation guidelines (Richards et al. 2015 PMID: 25741868, with internal and published modifications).

NM_000439.5(PCSK1):c.1023C>T (p.Pro341=)

Genes: CAST (calpastatin; plus strand), PCSK1 (proprotein convertase subtilisin/kexin type 1; minus strand), LOC101929710 (uncharacterized LOC101929710; plus strand). Cytogenetic location: 5q15.
Variant type: single nucleotide variant.
Coding change: c.1023C>T on transcript NM_000439.5 (MANE Select); coding-DNA position 1023, C replaced by T.
Protein change: p.Pro341=; no amino-acid change (proline 341 retained).
Molecular consequence: synonymous variant. On other transcripts: intron variant (11).
Genome position (GRCh38, 1-based): chr5:96,410,846, G>A on the plus strand (C>T on the coding strand, the complement: PCSK1 is on the minus strand). VCF-style: chr5-96410846-G-A. GRCh37 (hg19) VCF-style: chr5-95746550-G-A.
Other names: c.882C>T, p.Pro294= (NM_001177875.2); c.-175+31194G>A (NM_001423254.1, NM_001423259.1, NM_001423255.1 and 6 more transcripts); c.-103+31194G>A (NM_001423253.1); c.-40+31194G>A (NM_001423258.1).
Identifiers: ClinVar variation 3349835 (VCV003349835.1).